The following is an entry in ClinVar:

NM_003384.3(VRK1):c.110G>A (p.Trp37Ter)

Gene: VRK1 (VRK serine/threonine kinase 1; plus strand). Cytogenetic location: 14q32.2.
Variant type: single nucleotide variant.
Coding change: c.110G>A on transcript NM_003384.3 (MANE Select); coding-DNA position 110, G replaced by A.
Protein change: p.Trp37Ter; replaces tryptophan 37 with a stop codon.
Molecular consequence: nonsense.
Genome position (GRCh38, 1-based): chr14:96,833,581, G>A. VCF-style: chr14-96833581-G-A. GRCh37 (hg19) VCF-style: chr14-97299918-G-A.
Other names: short protein forms W37*.
Identifiers: ClinVar variation 1071258 (VCV001071258.8), dbSNP rs2139748841, ClinGen allele CA390931036.

ClinVar aggregate classification (germline): Pathogenic (1 of 4 stars; one submission).

Conditions:
Pontocerebellar hypoplasia type 1A (PCH1A). Also called: PONTOCEREBELLAR HYPOPLASIA WITH ANTERIOR HORN CELL DISEASE; PONTOCEREBELLAR HYPOPLASIA WITH INFANTILE SPINAL MUSCULAR ATROPHY. Identifiers: Orphanet 2254, Orphanet 88616, MedGen C1843504, MONDO:0011866, OMIM 607596.

Submission:

Labcorp Genetics (formerly Invitae), Labcorp
Classification: Pathogenic for Pontocerebellar hypoplasia type 1A. Last evaluated: 2020-08-23. Review status: criteria provided, single submitter. Criteria: Invitae Variant Classification Sherloc (09022015). Collection method: clinical testing. Allele origin: germline.
Comment: This sequence change creates a premature translational stop signal (p.Trp37*) in the VRK1 gene. It is expected to result in an absent or disrupted protein product. This variant is not present in population databases (ExAC no frequency). This variant has not been reported in the literature in individuals with VRK1-related conditions. Loss-of-function variants in VRK1 are known to be pathogenic (PMID: 19646678). For these reasons, this variant has been classified as Pathogenic.

Literature cited by the submitters: PubMed 19646678.